The following is an entry in ClinVar:

ClinVar aggregate classification (germline): Uncertain significance (1 of 4 stars; one submission).

Conditions:
Early-infantile DEE. Also called: Ohtahara syndrome; Early infantile epileptic encephalopathy; Early infantile epileptic encephalopathy with suppression bursts. Identifiers: Orphanet 1934, MedGen C0393706, MONDO:0800491.

Submission:

Labcorp Genetics (formerly Invitae), Labcorp
Classification: Uncertain significance for Early-infantile DEE. Last evaluated: 2023-10-17. Review status: criteria provided, single submitter. Criteria: Invitae Variant Classification Sherloc (09022015). Collection method: clinical testing. Allele origin: germline.
Comment: This sequence change replaces aspartic acid, which is acidic and polar, with glutamic acid, which is acidic and polar, at codon 1721 of the SPTAN1 protein (p.Asp1721Glu). This variant is not present in population databases (gnomAD no frequency). This variant has not been reported in the literature in individuals affected with SPTAN1-related conditions. Advanced modeling of protein sequence and biophysical properties (such as structural, functional, and spatial information, amino acid conservation, physicochemical variation, residue mobility, and thermodynamic stability) has been performed at Invitae for this missense variant, however the output from this modeling did not meet the statistical confidence thresholds required to predict the impact of this variant on SPTAN1 protein function. In summary, the available evidence is currently insufficient to determine the role of this variant in disease. Therefore, it has been classified as a Variant of Uncertain Significance.

NM_001130438.3(SPTAN1):c.5163C>G (p.Asp1721Glu)

Gene: SPTAN1 (spectrin alpha, non-erythrocytic 1; plus strand). Cytogenetic location: 9q34.11.
Variant type: single nucleotide variant.
Coding change: c.5163C>G on transcript NM_001130438.3 (MANE Select); coding-DNA position 5163, C replaced by G.
Protein change: p.Asp1721Glu; replaces aspartic acid 1721 with glutamic acid.
Molecular consequence: missense variant.
Genome position (GRCh38, 1-based): chr9:128,615,646, C>G. VCF-style: chr9-128615646-C-G. GRCh37 (hg19) VCF-style: chr9-131377925-C-G.
Other names: c.5088C>G, p.Asp1696Glu (NM_001195532.2); c.5163C>G, p.Asp1721Glu (NM_001363759.2, NM_001375310.1, NM_001375311.2 and 1 more transcripts); c.5103C>G, p.Asp1701Glu (NM_001363765.2, NM_001375314.2); c.5199C>G, p.Asp1733Glu (NM_001375312.2, NM_001375318.1); c.5148C>G, p.Asp1716Glu (NM_003127.4); short protein forms D1716E, D1721E, D1733E, D1701E, D1696E.
Identifiers: ClinVar variation 2769258 (VCV002769258.3), dbSNP rs2541886287, ClinGen allele CA375074041.